The following is an entry in ClinVar:

NM_003000.3(SDHB):c.148_151dup (p.Lys51fs)

Gene: SDHB (succinate dehydrogenase complex iron sulfur subunit B; minus strand). Cytogenetic location: 1p36.13.
Variant type: Duplication.
Coding change: c.148_151dup on transcript NM_003000.3 (MANE Select); coding-DNA positions 148 to 151, 4 bases duplicated (GACA; older notation c.148_151dupGACA).
Protein change: p.Lys51fs; shifts the reading frame from lysine 51.
Molecular consequence: frameshift variant.
Genome position (GRCh38, 1-based): chr1:17,044,810-17,044,813, TGTC duplicated on the plus strand (GACA on the coding strand, the reverse complement: SDHB is on the minus strand); duplicating any 4 consecutive bases within chr1:17,044,810-17,044,815 gives the same sequence; the c. name uses the placement nearest the transcript's 3' end. VCF-style (leftmost placement, unchanged base first): chr1-17044809-T-TTGTC. GRCh37 (hg19) VCF-style: chr1-17371304-T-TTGTC.
Other names: c.148_151dupGACA (NM_003000.2); short protein forms K51fs.
Identifiers: ClinVar variation 642012 (VCV000642012.2), dbSNP rs1570958022, ClinGen allele CA915941158.

ClinVar aggregate classification (germline): Pathogenic (1 of 4 stars; one submission).

Conditions:
Pheochromocytoma. Also called: MAX-Related Hereditary Paraganglioma-Pheochromocytoma Syndrome. Identifiers: Orphanet 29072, MedGen C0031511, MONDO:0008233, OMIM 171300, HP:0002666.
Pheochromocytoma/paraganglioma syndrome 4. Also called: PARAGANGLIOMA, FAMILIAL MALIGNANT; PARAGANGLIOMAS, HEREDITARY EXTRAADRENAL; PHEOCHROMOCYTOMA, FAMILIAL EXTRAADRENAL; SDHB-Related Hereditary Paraganglioma-Pheochromocytoma Syndrome (Paragangliomas 4); CAROTID BODY TUMORS AND MULTIPLE EXTRAADRENAL PHEOCHROMOCYTOMAS; SDHB-Related Hereditary Paraganglioma-Pheochromocytoma Syndrome. Identifiers: Orphanet 29072, MedGen C1861848, MONDO:0007273, OMIM 115310.
Gastrointestinal stromal tumor. Also called: Gastrointestinal stromal tumor, somatic; Gastrointestinal stroma tumor. Identifiers: Orphanet 44890, MedGen C0238198, MeSH D046152, MONDO:0011719, OMIM 606764, HP:0100723.

Submission:

Labcorp Genetics (formerly Invitae), Labcorp
Classification: Pathogenic for Gastrointestinal stromal tumor; Paragangliomas 4; Pheochromocytoma. Last evaluated: 2019-10-28. Review status: criteria provided, single submitter. Criteria: Invitae Variant Classification Sherloc (09022015). Collection method: clinical testing. Allele origin: germline.
Comment: This sequence change creates a premature translational stop signal (p.Lys51Argfs*13) in the SDHB gene. It is expected to result in an absent or disrupted protein product. This variant is not present in population databases (ExAC no frequency). This variant has been observed in several individuals affected with paraganglioma (PMID: 23154831). This variant is also known as c.151_154insGACA in the literature. Loss-of-function variants in SDHB are known to be pathogenic (PMID: 19454582, 19802898). For these reasons, this variant has been classified as Pathogenic.

Literature cited by the submitters: PubMed 23154831.